The following is an entry in ClinVar:

ClinVar aggregate classification (germline): Conflicting classifications of pathogenicity. Review status: criteria provided, conflicting classifications (1 of 4 stars). 5 submissions from 5 submitters: Uncertain significance (2); Likely benign (3). Last evaluated 2025-02-05.

Conditions:
RYR1-related disorder. Also called: RYR1-related disorders; RYR1-related condition. Identifiers: MedGen CN239331.
Malignant hyperthermia, susceptibility to, 1 (MHS1). Also called: RYR1-Related Malignant Hyperthermia Susceptibility; Malignant hyperthermia suceptibility 1; Anesthesia related hyperthermia; Malignant hyperpyrexia; Fulminating hyperpyrexia; Pharmacogenic myopathy. Identifiers: Orphanet 423, MedGen C2930980, MONDO:0007783, OMIM 145600.

Allele frequency attached by ClinVar (database versions not stated): gnomAD below 0.00001 and 0.00001; TOPMed below 0.00001.

Submissions (5):

Labcorp Genetics (formerly Invitae), Labcorp
Classification: Likely benign for RYR1-related disorder. Last evaluated: 2025-02-05. Review status: criteria provided, single submitter. Criteria: Invitae Variant Classification Sherloc (09022015). Collection method: clinical testing. Allele origin: germline.

CeGaT Center for Human Genetics Tuebingen
Classification: Uncertain significance. Last evaluated: 2024-05-01. Review status: criteria provided, single submitter. Criteria: CeGaT Center For Human Genetics Tuebingen Variant Classification Criteria Version 2. Collection method: clinical testing. Allele origin: germline. Affected: yes. Observed: 2 variant alleles.
Comment: RYR1: PM2, BP4

All of Us Research Program, National Institutes of Health
Classification: Likely benign for Malignant hyperthermia, susceptibility to, 1. Last evaluated: 2023-12-13. Review status: criteria provided, single submitter. Criteria: ACMG Guidelines, 2015. Collection method: clinical testing. Allele origin: germline. Inheritance: Autosomal dominant inheritance. Observed: 2 variant alleles, 2 heterozygotes.
Comment: This study involves interpretation of variants in research participants for the purpose of population health screening. Participant phenotype was not available at the time of variant classification. Additional details can be found in publication PMID: 35346344, PMCID: PMC8962531

Color Diagnostics, LLC DBA Color Health
Classification: Likely benign for Malignant hyperthermia, susceptibility to, 1. Last evaluated: 2022-12-22. Review status: criteria provided, single submitter. Criteria: ACMG Guidelines, 2015. Collection method: clinical testing. Allele origin: germline.

PreventionGenetics, part of Exact Sciences
Classification: Uncertain significance. Last evaluated: 2013-10-17. Review status: criteria provided, single submitter. Criteria: ACMG Guidelines, 2015. Collection method: clinical testing. Allele origin: germline.

NM_000540.3(RYR1):c.447G>A (p.Met149Ile)

Gene: RYR1 (ryanodine receptor 1; plus strand). Cytogenetic location: 19q13.2.
Variant type: single nucleotide variant.
Coding change: c.447G>A on transcript NM_000540.3 (MANE Select); coding-DNA position 447, G replaced by A.
Protein change: p.Met149Ile; replaces methionine 149 with isoleucine.
Molecular consequence: missense variant.
Genome position (GRCh38, 1-based): chr19:38,444,171, G>A. VCF-style: chr19-38444171-G-A. GRCh37 (hg19) VCF-style: chr19-38934811-G-A.
Other names: c.447G>A, p.Met149Ile (NM_001042723.2); short protein forms M149I.
Identifiers: ClinVar variation 590534 (VCV000590534.34), dbSNP rs772652844, ClinGen allele CA066137.